The following is an entry in ClinVar:

ClinVar aggregate classification (germline): Uncertain significance (1 of 4 stars; one submission).

Conditions:
Hereditary sensory and autonomic neuropathy type 7. Also called: Neuropathy, hereditary sensory and autonomic, type VII; HSAN VII. Identifiers: Orphanet 391397, MedGen C3809882, MONDO:0014244, OMIM 615548.
Familial episodic pain syndrome with predominantly lower limb involvement. Also called: Episodic pain syndrome, familial, 3. Identifiers: Orphanet 391384, Orphanet 391392, MedGen C3809899, MONDO:0014247, OMIM 615552.

Submission:

Labcorp Genetics (formerly Invitae), Labcorp
Classification: Uncertain significance for Familial episodic pain syndrome with predominantly lower limb involvement; Hereditary sensory and autonomic neuropathy type 7. Last evaluated: 2022-06-26. Review status: criteria provided, single submitter. Criteria: Invitae Variant Classification Sherloc (09022015). Collection method: clinical testing. Allele origin: germline.
Comment: This variant is not present in population databases (gnomAD no frequency). This variant has not been reported in the literature in individuals affected with SCN11A-related conditions. This sequence change replaces proline, which is neutral and non-polar, with threonine, which is neutral and polar, at codon 83 of the SCN11A protein (p.Pro83Thr). In summary, the available evidence is currently insufficient to determine the role of this variant in disease. Therefore, it has been classified as a Variant of Uncertain Significance. Algorithms developed to predict the effect of missense changes on protein structure and function are either unavailable or do not agree on the potential impact of this missense change (SIFT: "Deleterious"; PolyPhen-2: "Probably Damaging"; Align-GVGD: "Class C0").

NM_001349253.2(SCN11A):c.247C>A (p.Pro83Thr)

Gene: SCN11A (sodium voltage-gated channel alpha subunit 11; minus strand). Cytogenetic location: 3p22.2.
Variant type: single nucleotide variant.
Coding change: c.247C>A on transcript NM_001349253.2 (MANE Select); coding-DNA position 247, C replaced by A.
Protein change: p.Pro83Thr; replaces proline 83 with threonine.
Molecular consequence: missense variant.
Genome position (GRCh38, 1-based): chr3:38,950,116, G>T on the plus strand (C>A on the coding strand, the complement: SCN11A is on the minus strand). VCF-style: chr3-38950116-G-T. GRCh37 (hg19) VCF-style: chr3-38991607-G-T.
Other names: c.247C>A, p.Pro83Thr (NM_014139.3); short protein forms P83T.
Identifiers: ClinVar variation 2117651 (VCV002117651.4), dbSNP rs2470708167, ClinGen allele CA352176492.